The following is an entry in ClinVar:

ClinVar aggregate classification (germline): Likely benign. Review status: criteria provided, single submitter (1 of 4 stars). 2 submissions from 2 submitters: Likely benign (1). 1 of the submissions does not count toward it. Last evaluated 2024-10-14.

Conditions:
PHIP-related disorder. Also called: PHIP-related disorders; PHIP-related condition.

gnomAD v4.1: 6 of 1,613,412 alleles (0.00037%); highest among the groups gnomAD compares: Non-Finnish European, 0.00025%; no homozygotes.

Submissions (2):

Blueprint Genetics
Classification: Likely benign. Last evaluated: 2024-10-14. Review status: criteria provided, single submitter. Criteria: ACMG Guidelines, 2015. Collection method: clinical testing. Allele origin: germline.

PreventionGenetics, part of Exact Sciences
Classification: Likely benign for PHIP-related condition. Last evaluated: 2024-05-14. Review status: no assertion criteria provided. Collection method: clinical testing. Allele origin: germline. Not counted in ClinVar's aggregate classification.
Comment: This variant is classified as likely benign based on ACMG/AMP sequence variant interpretation guidelines (Richards et al. 2015 PMID: 25741868, with internal and published modifications).

NM_017934.7(PHIP):c.285T>C (p.Pro95=)

Gene: PHIP (PHIP subunit of CUL4-Ring ligase complex; minus strand). Cytogenetic location: 6q14.1.
Variant type: single nucleotide variant.
Coding change: c.285T>C on transcript NM_017934.7 (MANE Select); coding-DNA position 285, T replaced by C.
Protein change: p.Pro95=; no amino-acid change (proline 95 retained).
Molecular consequence: synonymous variant.
Genome position (GRCh38, 1-based): chr6:79,060,723, A>G on the plus strand (T>C on the coding strand, the complement: PHIP is on the minus strand). VCF-style: chr6-79060723-A-G. GRCh37 (hg19) VCF-style: chr6-79770440-A-G.
Identifiers: ClinVar variation 3345853 (VCV003345853.2).